The following is an entry in ClinVar:

ClinVar aggregate classification (germline): Uncertain significance (1 of 4 stars; one submission).

Conditions:
X-linked agammaglobulinemia with growth hormone deficiency (IGHD3). Also called: FLEISHER SYNDROME; HYPOGAMMAGLOBULINEMIA AND ISOLATED GROWTH HORMONE DEFICIENCY, X-LINKED; IGHD III; Isolated growth hormone deficiency type 3; Growth hormone deficiency with hypogammaglobulinemia; ISOLATED GROWTH HORMONE DEFICIENCY, TYPE III, WITH AGAMMAGLOBULINEMIA. Identifiers: Orphanet 231692, Orphanet 631, MedGen C0472813, MONDO:0010615, OMIM 307200.

Submission:

Labcorp Genetics (formerly Invitae), Labcorp
Classification: Uncertain significance for X-linked agammaglobulinemia with growth hormone deficiency. Last evaluated: 2023-07-07. Review status: criteria provided, single submitter. Criteria: Invitae Variant Classification Sherloc (09022015). Collection method: clinical testing. Allele origin: germline.
Comment: In summary, the available evidence is currently insufficient to determine the role of this variant in disease. Therefore, it has been classified as a Variant of Uncertain Significance. Studies have shown that this missense change does not affect mRNA splicing (PMID: 24586880, 28359783). An algorithm developed to predict the effect of missense changes on protein structure and function (PolyPhen-2) suggests that this variant is likely to be disruptive. ClinVar contains an entry for this variant (Variation ID: 856612). This missense change has been observed in individual(s) with X-linked agammaglobulinemia (PMID: 25270678, 35382780). This variant is not present in population databases (gnomAD no frequency). This sequence change replaces glycine, which is neutral and non-polar, with glutamic acid, which is acidic and polar, at codon 584 of the BTK protein (p.Gly584Glu).

Literature cited by the submitters: PubMed 24586880; PubMed 28359783; PubMed 25270678; PubMed 35382780.

NM_000061.3(BTK):c.1751G>A (p.Gly584Glu)

Gene: BTK (Bruton tyrosine kinase; minus strand). Cytogenetic location: Xq22.1.
Variant type: single nucleotide variant.
Coding change: c.1751G>A on transcript NM_000061.3 (MANE Select); coding-DNA position 1751, G replaced by A.
Protein change: p.Gly584Glu; replaces glycine 584 with glutamic acid.
Molecular consequence: missense variant.
Genome position (GRCh38, 1-based): chrX:101,353,351, C>T on the plus strand (G>A on the coding strand, the complement: BTK is on the minus strand). VCF-style: chrX-101353351-C-T. GRCh37 (hg19) VCF-style: chrX-100608339-C-T.
Other names: c.1853G>A, p.Gly618Glu (NM_001287344.2); c.1223G>A, p.Gly408Glu (NM_001287345.2); short protein forms G408E, G584E, G618E.
Identifiers: ClinVar variation 856612 (VCV000856612.10), dbSNP rs1926361058, ClinGen allele CA413919644.
Genomic context (GRCh38, chrX:101,353,351, plus strand): 5'-CTGTTAGTAAATCTCTCATATGGCATCTTCCCCAGGGAGTAAATTTCCCACATCAAAACC[C>T]CTAGAAGGTGAAAAAAATTATTAAATTGGTTTGCAGTCTTTTTGGATAGCAGGGGTCCTA-3'
Protein context (NP_000052.1, residues 574-594): FSSKSDIWAF[Gly584Glu]VLMWEIYSLG